The following is an entry in ClinVar:

NM_003995.4(NPR2):c.2878G>A (p.Val960Ile)

Genes: NPR2 (natriuretic peptide receptor 2; plus strand), SPAG8 (sperm associated antigen 8; minus strand). Cytogenetic location: 9p13.3.
Variant type: single nucleotide variant.
Coding change: c.2878G>A on transcript NM_003995.4 (MANE Select); coding-DNA position 2878, G replaced by A.
Protein change: p.Val960Ile; replaces valine 960 with isoleucine.
Molecular consequence: missense variant. On other transcripts: intron variant (2).
Genome position (GRCh38, 1-based): chr9:35,808,674, G>A. VCF-style: chr9-35808674-G-A. GRCh37 (hg19) VCF-style: chr9-35808671-G-A.
Other names: c.2887G>A, p.Val963Ile (NM_001378923.1); c.1201-368C>T (NM_001366760.2); c.1373-368C>T (NM_172312.2); short protein forms V960I, V963I.
Identifiers: ClinVar variation 3750211 (VCV003750211.2).
Genomic context (GRCh38, chr9:35,808,674, plus strand): 5'-GCAGTTTCTTCCTTTCGCATCCGCCACCGACCCCATGACCAGCTGAGGCTACGCATAGGG[G>A]TCCATACTGGTAAGGCTGACTCTCACTCCAGCCCTAGTCTCCACCTTTCCCAGACTCTCC-3'
Protein context (NP_003986.2, residues 950-970): PHDQLRLRIG[Val960Ile]HTGPVCAGVV

ClinVar aggregate classification (germline): Uncertain significance (1 of 4 stars; one submission).

Conditions:
Acromesomelic dysplasia 1, Maroteaux type (AMD1). Also called: ST. HELENA DYSPLASIA; ACROMESOMELIC DYSPLASIA 1. Identifiers: Orphanet 40, MedGen C1864356, MONDO:0011275, OMIM 602875.
Tall stature-scoliosis-macrodactyly of the great toes syndrome. Also called: Epiphyseal chondrodysplasia, miura type. Identifiers: Orphanet 329191, MedGen C4014690, MONDO:0014401, OMIM 615923.

Submission:

Labcorp Genetics (formerly Invitae), Labcorp
Classification: Uncertain significance for Tall stature-scoliosis-macrodactyly of the great toes syndrome; Acromesomelic dysplasia 1, Maroteaux type. Last evaluated: 2024-10-28. Review status: criteria provided, single submitter. Criteria: Invitae Variant Classification Sherloc (09022015). Collection method: clinical testing. Allele origin: germline.
Comment: This sequence change replaces valine, which is neutral and non-polar, with isoleucine, which is neutral and non-polar, at codon 960 of the NPR2 protein (p.Val960Ile). This variant is not present in population databases (gnomAD no frequency). This variant has not been reported in the literature in individuals affected with NPR2-related conditions. Invitae Evidence Modeling of protein sequence and biophysical properties (such as structural, functional, and spatial information, amino acid conservation, physicochemical variation, residue mobility, and thermodynamic stability) indicates that this missense variant is not expected to disrupt NPR2 protein function with a negative predictive value of 80%. In summary, the available evidence is currently insufficient to determine the role of this variant in disease. Therefore, it has been classified as a Variant of Uncertain Significance.